The following is an entry in ClinVar:

ClinVar aggregate classification (germline): Conflicting classifications of pathogenicity. Review status: criteria provided, conflicting classifications (1 of 4 stars). 2 submissions from 2 submitters: Uncertain significance (1); Likely benign (1). Last evaluated 2023-10-05.

Conditions:
Inborn genetic diseases. Identifiers: MedGen C0950123, MeSH D030342.
2-aminoadipic 2-oxoadipic aciduria (AAKAD). Also called: ALPHA-AMINOADIPIC AND ALPHA-KETOADIPIC ACIDURIA; Aminoadipic aciduria. Identifiers: Orphanet 79154, MedGen C1859817, MONDO:0008774, OMIM 204750.

Allele frequency attached by ClinVar (database versions not stated): ExAC 0.00001; ESP Exome Variant Server 0.00008.

Submissions (2):

Ambry Genetics
Classification: Likely benign for Inborn genetic diseases. Last evaluated: 2023-10-05. Review status: criteria provided, single submitter. Criteria: Ambry Variant Classification Scheme 2023. Collection method: clinical testing. Allele origin: germline.

Labcorp Genetics (formerly Invitae), Labcorp
Classification: Uncertain significance for 2-aminoadipic 2-oxoadipic aciduria. Last evaluated: 2022-04-10. Review status: criteria provided, single submitter. Criteria: Invitae Variant Classification Sherloc (09022015). Collection method: clinical testing. Allele origin: germline.
Comment: Algorithms developed to predict the effect of missense changes on protein structure and function output the following: SIFT: "Tolerated"; PolyPhen-2: "Benign"; Align-GVGD: "Class C0". The glutamine amino acid residue is found in multiple mammalian species, which suggests that this missense change does not adversely affect protein function. In summary, the available evidence is currently insufficient to determine the role of this variant in disease. Therefore, it has been classified as a Variant of Uncertain Significance. This variant has not been reported in the literature in individuals affected with DHTKD1-related conditions. This variant is present in population databases (rs367981696, gnomAD 0.01%). This sequence change replaces arginine, which is basic and polar, with glutamine, which is neutral and polar, at codon 246 of the DHTKD1 protein (p.Arg246Gln).

NM_018706.7(DHTKD1):c.737G>A (p.Arg246Gln)

Gene: DHTKD1 (dehydrogenase E1 and transketolase domain containing 1; plus strand). Cytogenetic location: 10p14.
Variant type: single nucleotide variant.
Coding change: c.737G>A on transcript NM_018706.7 (MANE Select); coding-DNA position 737, G replaced by A.
Protein change: p.Arg246Gln; replaces arginine 246 with glutamine.
Molecular consequence: missense variant.
Genome position (GRCh38, 1-based): chr10:12,089,005, G>A. VCF-style: chr10-12089005-G-A. GRCh37 (hg19) VCF-style: chr10-12131004-G-A.
Other names: c.737G>A (NM_018706.5); short protein forms R246Q.
Identifiers: ClinVar variation 1926390 (VCV001926390.6), dbSNP rs367981696, ClinGen allele CA5407642.